The following is an entry in ClinVar:

NM_017547.4(FOXRED1):c.1207-6C>A

Gene: FOXRED1 (FAD dependent oxidoreductase domain containing 1; plus strand). Cytogenetic location: 11q24.2.
Variant type: single nucleotide variant.
Coding change: c.1207-6C>A on transcript NM_017547.4 (MANE Select); 6 bases into the intron before coding-DNA position 1207, C replaced by A.
Molecular consequence: intron variant.
Genome position (GRCh38, 1-based): chr11:126,277,429, C>A. VCF-style: chr11-126277429-C-A. GRCh37 (hg19) VCF-style: chr11-126147324-C-A.
Other names: c.697-6C>A (NM_001425168.1, NM_001425170.1, NM_001425169.1); c.1237-6C>A (NM_001425160.1); c.1207-6C>A (NM_001425161.1); c.1207-12C>A (NM_001425165.1); c.1159-6C>A (NM_001425166.1); c.1204-6C>A (NM_001425163.1, NM_001425164.1); c.1105-6C>A (NM_001425167.1); c.646-6C>A (NM_001425171.1, NM_001425172.1); and 2 more.
Identifiers: ClinVar variation 4854942 (VCV004854942.1).

ClinVar aggregate classification (germline): Uncertain significance (1 of 4 stars; one submission).

Conditions:
Mitochondrial complex I deficiency, nuclear type 19. Also called: Mitochondrial complex 1 deficiency, nuclear type 19. Identifiers: MedGen C4748791, MONDO:0032624, OMIM 618241.

Submission:

3billion
Classification: Uncertain significance for Mitochondrial complex I deficiency, nuclear type 19. Last evaluated: 2025-10-13. Review status: criteria provided, single submitter. Criteria: ACMG Guidelines, 2015. Collection method: clinical testing. Allele origin: germline. Affected: yes.
Comment: The variant is not observed in the gnomAD v4.1.0 dataset. Predicted Consequence/Location: Intron variant In silico tools predict the variant to alter splicing and produce an abnormal transcript [SpliceAI: 0.24 (>=0.2, moderate evidence for spliceogenicity)]. Therefore, this variant is classified as VUS according to the recommendation of ACMG/AMP guideline.